The following is an entry in ClinVar:

NM_001139.3(ALOX12B):c.1654+3A>G

Gene: ALOX12B (arachidonate 12-lipoxygenase, 12R type; minus strand). Cytogenetic location: 17p13.1.
Variant type: single nucleotide variant.
Coding change: c.1654+3A>G on transcript NM_001139.3 (MANE Select); 3 bases into the intron after coding-DNA position 1654, A replaced by G.
Molecular consequence: intron variant.
Genome position (GRCh38, 1-based): chr17:8,075,592, T>C on the plus strand (A>G on the coding strand, the complement: ALOX12B is on the minus strand). VCF-style: chr17-8075592-T-C. GRCh37 (hg19) VCF-style: chr17-7978910-T-C.
Identifiers: ClinVar variation 995499 (VCV000995499.9), dbSNP rs371537819, ClinGen allele CA8367240.

ClinVar aggregate classification (germline): Pathogenic/Likely pathogenic. Review status: criteria provided, multiple submitters, no conflicts (2 of 4 stars). 5 submissions from 5 submitters: Pathogenic (3); Likely pathogenic (1). 1 of the submissions does not count toward it. Last evaluated 2026-01-07.

Conditions:
Ichthyosis and erythrokeratoderma.
ALOX12B-related disorder. Also called: ALOX12B-related condition.
Autosomal recessive congenital ichthyosis 2 (ARCI2). Identifiers: Orphanet 281122, Orphanet 79394, MedGen C3888093, MONDO:0009439, OMIM 242100.

Allele frequency attached by ClinVar (database versions not stated): gnomAD exomes 0.00003 and 0.00008; TOPMed 0.00003; ExAC 0.00004; gnomAD 0.00005 and 0.00006; ESP Exome Variant Server 0.00015.
gnomAD v4.1: 128 of 1,613,940 alleles (0.0079%); highest among the groups gnomAD compares: Non-Finnish European, 0.01%; no homozygotes.

Submissions (5):

Genetics Laboratory, Great Ormond Street Hospital NHS Foundation Trust, North Thames Genomic Laboratory Hub
Classification: Likely pathogenic for Ichthyosis and erythrokeratoderma. Last evaluated: 2026-01-07. Review status: criteria provided, single submitter. Criteria: ACGS Best Practice Guidelines for Variant Classification in Rare Disease 2024 v1.2. Collection method: clinical testing. Allele origin: germline. Affected: yes.
Comment: PM2_moderate, PP3_supporting, PM3_moderate, PP4_supporting

Fulgent Genetics
Classification: Pathogenic for Autosomal recessive congenital ichthyosis 2. Last evaluated: 2024-02-27. Review status: criteria provided, single submitter. Criteria: ACMG Guidelines, 2015. Collection method: clinical testing. Allele origin: germline.

Labcorp Genetics (formerly Invitae), Labcorp
Classification: Pathogenic. Last evaluated: 2022-06-23. Review status: criteria provided, single submitter. Criteria: Invitae Variant Classification Sherloc (09022015). Collection method: clinical testing. Allele origin: germline.
Comment: Variants that disrupt the consensus splice site are a relatively common cause of aberrant splicing (PMID: 17576681, 9536098). Algorithms developed to predict the effect of sequence changes on RNA splicing suggest that this variant may disrupt the consensus splice site. For these reasons, this variant has been classified as Pathogenic. ClinVar contains an entry for this variant (Variation ID: 995499). This variant has been observed in individuals with autosomal recessive congenital ichthyosis (PMID: 19131948, 31953843, 33435499). This variant is present in population databases (rs371537819, gnomAD 0.008%). This sequence change falls in intron 12 of the ALOX12B gene. It does not directly change the encoded amino acid sequence of the ALOX12B protein. It affects a nucleotide within the consensus splice site.

Blueprint Genetics
Classification: Pathogenic for ALOX12B-related disorders. Last evaluated: 2020-09-23. Review status: criteria provided, single submitter. Criteria: ACMG Guidelines, 2015. Collection method: clinical testing. Allele origin: germline. Affected: yes. Observed: 2 variant alleles.

Institute for Human Genetics, University Medical Center Freiburg
Classification: Pathogenic for Autosomal recessive congenital ichthyosis 2. Last evaluated: 2021-01-07. Review status: no assertion criteria provided. Collection method: clinical testing. Allele origin: unknown. Affected: yes. Not counted in ClinVar's aggregate classification.

Literature cited by the submitters: PubMed 17576681 (cited by Labcorp Genetics (formerly Invitae), Labcorp); PubMed 9536098 (cited by Labcorp Genetics (formerly Invitae), Labcorp); PubMed 19131948 (cited by Labcorp Genetics (formerly Invitae), Labcorp and Institute for Human Genetics, University Medical Center Freiburg); PubMed 31953843 (cited by Labcorp Genetics (formerly Invitae), Labcorp); PubMed 33435499 (cited by Labcorp Genetics (formerly Invitae), Labcorp).